The following is an entry in ClinVar:

NM_021098.3(CACNA1H):c.2616C>A (p.Ile872=)

Gene: CACNA1H (calcium voltage-gated channel subunit alpha1 H; plus strand). Cytogenetic location: 16p13.3.
Variant type: single nucleotide variant.
Coding change: c.2616C>A on transcript NM_021098.3 (MANE Select); coding-DNA position 2616, C replaced by A.
Protein change: p.Ile872=; no amino-acid change (isoleucine 872 retained).
Molecular consequence: synonymous variant.
Genome position (GRCh38, 1-based): chr16:1,206,116, C>A. VCF-style: chr16-1206116-C-A. GRCh37 (hg19) VCF-style: chr16-1256116-C-A.
Other names: c.2616C>A, p.Ile872= (NM_001005407.2).
Identifiers: ClinVar variation 2943600 (VCV002943600.3), dbSNP rs375605628, ClinGen allele CA276659387.

ClinVar aggregate classification (germline): Uncertain significance (1 of 4 stars; one submission).

Conditions:
Hyperaldosteronism, familial, type IV (HALD4). Also called: FH IV; ALDOSTERONISM, PRIMARY, AND HYPERTENSION. Identifiers: Orphanet 642671, MedGen C4310756, MONDO:0014875, OMIM 617027.
Idiopathic generalized epilepsy. Also called: EIG; Generalised epilepsy. Identifiers: MedGen C0270850, MONDO:0005579, OMIM 600669.

Submission:

Labcorp Genetics (formerly Invitae), Labcorp
Classification: Uncertain significance for Idiopathic generalized epilepsy; Hyperaldosteronism, familial, type IV. Last evaluated: 2023-01-24. Review status: criteria provided, single submitter. Criteria: Invitae Variant Classification Sherloc (09022015). Collection method: clinical testing. Allele origin: germline.
Comment: This sequence change affects codon 872 of the CACNA1H mRNA. It is a 'silent' change, meaning that it does not change the encoded amino acid sequence of the CACNA1H protein. This variant is not present in population databases (gnomAD no frequency). This variant has not been reported in the literature in individuals affected with CACNA1H-related conditions. Algorithms developed to predict the effect of sequence changes on RNA splicing suggest that this variant may create or strengthen a splice site. In summary, the available evidence is currently insufficient to determine the role of this variant in disease. Therefore, it has been classified as a Variant of Uncertain Significance.